The following is an entry in ClinVar:

NM_006231.4(POLE):c.4856A>G (p.Tyr1619Cys)

Gene: POLE (DNA polymerase epsilon, catalytic subunit; minus strand). Cytogenetic location: 12q24.33.
Variant type: single nucleotide variant.
Coding change: c.4856A>G on transcript NM_006231.4 (MANE Select); coding-DNA position 4856, A replaced by G.
Protein change: p.Tyr1619Cys; replaces tyrosine 1619 with cysteine.
Molecular consequence: missense variant.
Genome position (GRCh38, 1-based): chr12:132,642,602, T>C on the plus strand (A>G on the coding strand, the complement: POLE is on the minus strand). VCF-style: chr12-132642602-T-C. GRCh37 (hg19) VCF-style: chr12-133219188-T-C.
Other names: short protein forms Y1619C.
Identifiers: ClinVar variation 649823 (VCV000649823.12), dbSNP rs1593731043, ClinGen allele CA387378131.

ClinVar aggregate classification (germline): Uncertain significance. Review status: criteria provided, multiple submitters, no conflicts (2 of 4 stars). 3 submissions from 3 submitters: Uncertain significance (3). Last evaluated 2025-01-30.

Conditions:
Hereditary cancer-predisposing syndrome. Also called: Neoplastic Syndromes, Hereditary; Tumor predisposition; Hereditary Cancer Syndrome; Hereditary neoplastic syndrome. Identifiers: Orphanet 140162, MedGen C0027672, MeSH D009386, MONDO:0015356.
Colorectal cancer, susceptibility to, 12 (CRCS12). Also called: COLORECTAL CANCER, SUSCEPTIBILITY TO, ON CHROMOSOME 12q24. Identifiers: Orphanet 220460, MedGen C3554460, MONDO:0014038, OMIM 615083.

Allele frequency attached by ClinVar (database versions not stated): gnomAD exomes below 0.00001; TOPMed below 0.00001.
gnomAD v4.1: 3 of 1,613,530 alleles (0.00019%); highest among the groups gnomAD compares: South Asian, 0.0011%; no homozygotes.

Submissions (3):

Institute of Immunology and Genetics Kaiserslautern
Classification: Uncertain significance for Colorectal cancer, susceptibility to, 12. Last evaluated: 2025-01-30. Review status: criteria provided, single submitter. Criteria: ACMG Guidelines, 2015. Collection method: clinical testing. Allele origin: germline. Affected: yes.
Comment: ACMG Criteria: PM2_P, PP3; Variant was found in heterozygous state.

Labcorp Genetics (formerly Invitae), Labcorp
Classification: Uncertain significance. Last evaluated: 2024-05-09. Review status: criteria provided, single submitter. Criteria: Invitae Variant Classification Sherloc (09022015). Collection method: clinical testing. Allele origin: germline.
Comment: This sequence change replaces tyrosine, which is neutral and polar, with cysteine, which is neutral and slightly polar, at codon 1619 of the POLE protein (p.Tyr1619Cys). This variant is not present in population databases (gnomAD no frequency). This variant has not been reported in the literature in individuals affected with POLE-related conditions. ClinVar contains an entry for this variant (Variation ID: 649823). Advanced modeling of protein sequence and biophysical properties (such as structural, functional, and spatial information, amino acid conservation, physicochemical variation, residue mobility, and thermodynamic stability) performed at Invitae indicates that this missense variant is expected to disrupt POLE protein function with a positive predictive value of 80%. In summary, the available evidence is currently insufficient to determine the role of this variant in disease. Therefore, it has been classified as a Variant of Uncertain Significance.

Ambry Genetics
Classification: Uncertain significance for Hereditary cancer-predisposing syndrome. Last evaluated: 2022-08-22. Review status: criteria provided, single submitter. Criteria: Ambry Variant Classification Scheme 2023. Collection method: clinical testing. Allele origin: germline.
Comment: The p.Y1619C variant (also known as c.4856A>G), located in coding exon 37 of the POLE gene, results from an A to G substitution at nucleotide position 4856. The tyrosine at codon 1619 is replaced by cysteine, an amino acid with highly dissimilar properties. This amino acid position is conserved. In addition, this alteration is predicted to be deleterious by in silico analysis. Since supporting evidence is limited at this time, the clinical significance of this alteration remains unclear.